The following is an entry in ClinVar:

NM_001367561.1(DOCK7):c.26AGA[1] (p.Lys10del)

Genes: DOCK7 (dedicator of cytokinesis 7; minus strand), LOC129930655 (ATAC-STARR-seq lymphoblastoid silent region 946; plus strand). Cytogenetic location: 1p31.3.
Variant type: Microsatellite.
Coding change: c.26AGA[1] on transcript NM_001367561.1 (MANE Select); one copy of the 3-base unit AGA starting at c.26; the reference has two copies in a row; one copy, 3 bases deleted.
Protein change: p.Lys10del; deletes lysine 10.
Molecular consequence: inframe deletion.
Genome position (GRCh38, 1-based): chr1:62,688,234-62,688,236, TCT deleted on the plus strand (AGA on the coding strand, the reverse complement: DOCK7 is on the minus strand); deleting any 3 consecutive bases within chr1:62,688,234-62,688,239 gives the same sequence; the position shown is the placement nearest the transcript's 3' end. VCF-style (leftmost placement, unchanged base first): chr1-62688233-ATCT-A. GRCh37 (hg19) VCF-style: chr1-63153904-ATCT-A.
Other names: c.26AGA[1], p.Lys10del (NM_001271999.2, NM_001272000.2, NM_001272001.2 and 3 more transcripts); short protein forms K10del.
Identifiers: ClinVar variation 1416386 (VCV001416386.8), dbSNP rs2149794972, ClinGen allele CA2503337002.

ClinVar aggregate classification (germline): Uncertain significance (1 of 4 stars; one submission).

Conditions:
Developmental and epileptic encephalopathy, 23 (DEE23). Also called: Epileptic encephalopathy, early infantile, 23. Identifiers: Orphanet 411986, MedGen C4014492, MONDO:0014371, OMIM 615859.

Submission:

Labcorp Genetics (formerly Invitae), Labcorp
Classification: Uncertain significance for Developmental and epileptic encephalopathy, 23. Last evaluated: 2021-03-24. Review status: criteria provided, single submitter. Criteria: Invitae Variant Classification Sherloc (09022015). Collection method: clinical testing. Allele origin: germline.
Comment: In summary, the available evidence is currently insufficient to determine the role of this variant in disease. Therefore, it has been classified as a Variant of Uncertain Significance. Experimental studies and prediction algorithms are not available or were not evaluated, and the functional significance of this variant is currently unknown. This variant has not been reported in the literature in individuals with DOCK7-related conditions. The frequency data for this variant in the population databases is considered unreliable, as metrics indicate insufficient coverage at this position in the ExAC database. This variant, c.29_31del, results in the deletion of 1 amino acid(s) of the DOCK7 protein (p.Lys10del), but otherwise preserves the integrity of the reading frame.